The following is an entry in ClinVar:

ClinVar aggregate classification (germline): Uncertain significance (1 of 4 stars; one submission).

Conditions:
Spermatogenic failure 25. Identifiers: MedGen C4693765, MONDO:0054729, OMIM 617960.

gnomAD v4.1: 48 of 1,535,214 alleles (0.0031%); highest among the groups gnomAD compares: East Asian, 0.093%; no homozygotes.

Submission:

Juno Genomics, Hangzhou Juno Genomics, Inc
Classification: Uncertain significance for Spermatogenic failure 25. Review status: criteria provided, single submitter. Criteria: ACMG Guidelines, 2015. Collection method: clinical testing. Allele origin: germline.
Comment: Absent from controls (or at extremely low frequency if recessive) in Genome Aggregation Database.

NM_001350162.2(TEX15):c.905A>G (p.Lys302Arg)

Gene: TEX15 (testis expressed 15, meiosis and synapsis associated; minus strand). Cytogenetic location: 8p12.
Variant type: single nucleotide variant.
Coding change: c.905A>G on transcript NM_001350162.2 (MANE Select); coding-DNA position 905, A replaced by G.
Protein change: p.Lys302Arg; replaces lysine 302 with arginine.
Molecular consequence: missense variant. On other transcripts: non-coding transcript variant (1).
Genome position (GRCh38, 1-based): chr8:30,849,262, T>C on the plus strand (A>G on the coding strand, the complement: TEX15 is on the minus strand). VCF-style: chr8-30849262-T-C. GRCh37 (hg19) VCF-style: chr8-30706778-T-C.
Other names: short protein forms K302R.
Identifiers: ClinVar variation 5007300 (VCV005007300.2).